The following is an entry in ClinVar:

NM_015559.3(SETBP1):c.3481G>C (p.Asp1161His)

Gene: SETBP1 (SET binding protein 1; plus strand). Cytogenetic location: 18q12.3.
Variant type: single nucleotide variant.
Coding change: c.3481G>C on transcript NM_015559.3 (MANE Select); coding-DNA position 3481, G replaced by C.
Protein change: p.Asp1161His; replaces aspartic acid 1161 with histidine.
Molecular consequence: missense variant.
Genome position (GRCh38, 1-based): chr18:44,952,821, G>C. VCF-style: chr18-44952821-G-C. GRCh37 (hg19) VCF-style: chr18-42532786-G-C.
Other names: short protein forms D1161H.
Identifiers: ClinVar variation 702897 (VCV000702897.19), dbSNP rs199578000, ClinGen allele CA8945913.

ClinVar aggregate classification (germline): Benign/Likely benign. Review status: criteria provided, multiple submitters, no conflicts (2 of 4 stars). 4 submissions from 4 submitters: Benign (2); Likely benign (2). Last evaluated 2026-09-01.

Allele frequency attached by ClinVar (database versions not stated): gnomAD 0.00008; gnomAD exomes 0.00016 and 0.00033; 1000 Genomes Project 0.00020; TOPMed 0.00021; ExAC 0.00024; 1000 Genomes Project 30x 0.00031.
gnomAD v4.1: 107 of 1,614,084 alleles (0.0066%); highest among the groups gnomAD compares: Admixed American, 0.17%; no homozygotes.

Submissions (4):

CeGaT Center for Human Genetics Tuebingen
Classification: Likely benign. Last evaluated: 2026-09-01. Review status: criteria provided, single submitter. Criteria: CeGaT Center For Human Genetics Tuebingen Variant Classification Criteria Version 2. Collection method: clinical testing. Allele origin: germline. Affected: yes. Observed: 3 variant alleles.
Comment: SETBP1: BS1

Labcorp Genetics (formerly Invitae), Labcorp
Classification: Likely benign. Last evaluated: 2026-01-27. Review status: criteria provided, single submitter. Criteria: Invitae Variant Classification Sherloc (09022015). Collection method: clinical testing. Allele origin: germline.

Athena Diagnostics
Classification: Benign. Last evaluated: 2024-09-25. Review status: criteria provided, single submitter. Criteria: Athena Diagnostics Criteria. Collection method: clinical testing. Allele origin: unknown.

GeneDx
Classification: Benign. Last evaluated: 2020-01-08. Review status: criteria provided, single submitter. Criteria: GeneDx Variant Classification Process June 2021. Collection method: clinical testing. Allele origin: germline. Affected: yes.
Comment: This variant is associated with the following publications: (PMID: 27766616)